The following is an entry in ClinVar:

NM_000138.5(FBN1):c.8120A>C (p.Asp2707Ala)

Gene: FBN1 (fibrillin 1; minus strand). Cytogenetic location: 15q21.1.
Variant type: single nucleotide variant.
Coding change: c.8120A>C on transcript NM_000138.5 (MANE Select); coding-DNA position 8120, A replaced by C.
Protein change: p.Asp2707Ala; replaces aspartic acid 2707 with alanine.
Molecular consequence: missense variant.
Genome position (GRCh38, 1-based): chr15:48,412,675, T>G on the plus strand (A>C on the coding strand, the complement: FBN1 is on the minus strand). VCF-style: chr15-48412675-T-G. GRCh37 (hg19) VCF-style: chr15-48704872-T-G.
Other names: c.8120A>C, p.Asp2707Ala (NM_001406716.1); short protein forms D2707A.
Identifiers: ClinVar variation 4795441 (VCV004795441.1).

ClinVar aggregate classification (germline): Uncertain significance (1 of 4 stars; one submission).

Submission:

GeneDx
Classification: Uncertain significance. Last evaluated: 2025-08-12. Review status: criteria provided, single submitter. Criteria: GeneDx Variant Classification Process June 2021. Collection method: clinical testing. Allele origin: germline. Affected: yes.
Comment: Not observed at significant frequency in large population cohorts (gnomAD); In silico analysis supports that this missense variant has a deleterious effect on protein structure/function; Has not been previously published as pathogenic or benign to our knowledge